The following is an entry in ClinVar:

NM_001429.4(EP300):c.2998-3del

Genes: EP300 (EP300 lysine acetyltransferase; plus strand), LOC126863158 (BRD4-independent group 4 enhancer GRCh37_chr22:41547383-41548582; plus strand). Cytogenetic location: 22q13.2.
Variant type: Deletion.
Coding change: c.2998-3del on transcript NM_001429.4 (MANE Select); 3 bases into the intron before coding-DNA position 2998, one base deleted (T; older notation c.2998-3delT).
Molecular consequence: intron variant.
Genome position (GRCh38, 1-based): chr22:41,152,203, T deleted; the last of 4 consecutive T bases (chr22:41,152,200-41,152,203); deleting any one gives the same sequence. VCF-style (leftmost placement, unchanged base first): chr22-41152199-CT-C. GRCh37 (hg19) VCF-style: chr22-41548203-CT-C.
Other names: c.2920-3del (NM_001362843.2); c.2998-3delT (NM_001429.3).
Identifiers: ClinVar variation 1227369 (VCV001227369.10), dbSNP rs528974321, ClinGen allele CA10253026.

ClinVar aggregate classification (germline): Benign/Likely benign. Review status: criteria provided, multiple submitters, no conflicts (2 of 4 stars). 4 submissions from 4 submitters: Benign (1); Likely benign (2). 1 of the submissions does not count toward it. Last evaluated 2025-10-01.

Conditions:
EP300-related disorder. Also called: EP300-related disorders; EP300-related condition.
Rubinstein-Taybi syndrome due to EP300 haploinsufficiency. Also called: EP300-Related Rubinstein-Taybi Syndrome; RUBINSTEIN-TAYBI SYNDROME 2. Identifiers: Orphanet 353284, Orphanet 783, MedGen C3150941, MONDO:0013364, OMIM 613684.

Submissions (4):

Labcorp Genetics (formerly Invitae), Labcorp
Classification: Likely benign for Rubinstein-Taybi syndrome due to EP300 haploinsufficiency. Last evaluated: 2025-10-01. Review status: criteria provided, single submitter. Criteria: Invitae Variant Classification Sherloc (09022015). Collection method: clinical testing. Allele origin: germline.

Blueprint Genetics
Classification: Likely benign. Last evaluated: 2024-10-28. Review status: criteria provided, single submitter. Criteria: ACMG Guidelines, 2015. Collection method: clinical testing. Allele origin: germline.

GeneDx
Classification: Benign. Last evaluated: 2019-08-26. Review status: criteria provided, single submitter. Criteria: GeneDx Variant Classification Process June 2021. Collection method: clinical testing. Allele origin: germline. Affected: yes.

PreventionGenetics, part of Exact Sciences
Classification: Likely benign for EP300-related condition. Last evaluated: 2024-08-26. Review status: no assertion criteria provided. Collection method: clinical testing. Allele origin: germline. Not counted in ClinVar's aggregate classification.
Comment: This variant is classified as likely benign based on ACMG/AMP sequence variant interpretation guidelines (Richards et al. 2015 PMID: 25741868, with internal and published modifications).